The following is an entry in ClinVar:

ClinVar aggregate classification (germline): Uncertain significance (1 of 4 stars; one submission).

Conditions:
UNC13A-related disorder. Also called: UNC13A-related condition.

Allele frequency attached by ClinVar (database versions not stated): gnomAD 0.00001; TOPMed 0.00003; gnomAD exomes 0.00004; ExAC 0.00013.
gnomAD v4.1: 27 of 1,610,280 alleles (0.0017%); highest among the groups gnomAD compares: Admixed American, 0.042%; no homozygotes.

Submission:

PreventionGenetics, part of Exact Sciences
Classification: Uncertain significance for UNC13A-related condition. Last evaluated: 2022-09-29. Review status: criteria provided, single submitter. Criteria: ACMG Guidelines, 2015. Collection method: clinical testing. Allele origin: germline.
Comment: The UNC13A c.285G>C variant is predicted to result in the amino acid substitution p.Glu95Asp. To our knowledge, this variant has not been reported in the literature. This variant is reported in 0.063% of alleles in individuals of Latino descent in gnomAD. Although we suspect that this variant may be benign, at this time, the clinical significance of this variant is uncertain due to the absence of conclusive functional and genetic evidence.

NM_001080421.3(UNC13A):c.285G>C (p.Glu95Asp)

Gene: UNC13A (unc-13 homolog A; minus strand). Cytogenetic location: 19p13.11.
Variant type: single nucleotide variant.
Coding change: c.285G>C on transcript NM_001080421.3 (MANE Select); coding-DNA position 285, G replaced by C.
Protein change: p.Glu95Asp; replaces glutamic acid 95 with aspartic acid.
Molecular consequence: missense variant.
Genome position (GRCh38, 1-based): chr19:17,669,662, C>G on the plus strand (G>C on the coding strand, the complement: UNC13A is on the minus strand). VCF-style: chr19-17669662-C-G. GRCh37 (hg19) VCF-style: chr19-17780471-C-G.
Other names: c.285G>C, p.Glu95Asp (NM_001387021.1, NM_001387022.1, NM_001387023.1); short protein forms E95D.
Identifiers: ClinVar variation 2636073 (VCV002636073.1), dbSNP rs748344492, ClinGen allele CA9298822.
Genomic context (GRCh38, chr19:17,669,662, plus strand): 5'-GTCCTTGGTGCCACAGATCTCACTGTCTGCCATGATGACCTGGGAGTCCAGCGTCAGCCA[C>G]TCTCCAGGGCCCTCCTGGGGGTTGGGGGAGGAGGTGTGTGGGTCAGGAATCTGCTGGTCA-3'
Protein context (NP_001073890.2, residues 85-105): IRQSNEEGPG[Glu95Asp]WLTLDSQVIM